The following is an entry in ClinVar:

ClinVar aggregate classification (germline): Uncertain significance. Review status: criteria provided, multiple submitters, no conflicts (2 of 4 stars). 2 submissions from 2 submitters: Uncertain significance (2). Last evaluated 2025-04-28.

Conditions:
Familial sleep-related hypermotor epilepsy. Also called: Autosomal Dominant Sleep-Related Hypermotor (Hyperkinetic) Epilepsy. Identifiers: Orphanet 98784, MedGen C3696898, MONDO:0000030.

Allele frequency attached by ClinVar (database versions not stated): gnomAD 0.00001; gnomAD exomes below 0.00001; TOPMed 0.00001.

Submissions (2):

Labcorp Genetics (formerly Invitae), Labcorp
Classification: Uncertain significance. Last evaluated: 2025-04-28. Review status: criteria provided, single submitter. Criteria: Invitae Variant Classification Sherloc (09022015). Collection method: clinical testing. Allele origin: germline.
Comment: This sequence change replaces threonine, which is neutral and polar, with methionine, which is neutral and non-polar, at codon 220 of the CHRNB2 protein (p.Thr220Met). The frequency data for this variant in the population databases is considered unreliable, as metrics indicate poor data quality at this position in the gnomAD database. This variant has not been reported in the literature in individuals affected with CHRNB2-related conditions. ClinVar contains an entry for this variant (Variation ID: 205070). Invitae Evidence Modeling of protein sequence and biophysical properties (such as structural, functional, and spatial information, amino acid conservation, physicochemical variation, residue mobility, and thermodynamic stability) indicates that this missense variant is not expected to disrupt CHRNB2 protein function with a negative predictive value of 80%. In summary, the available evidence is currently insufficient to determine the role of this variant in disease. Therefore, it has been classified as a Variant of Uncertain Significance.

GeneDx
Classification: Uncertain significance. Last evaluated: 2014-05-01. Review status: criteria provided, single submitter. Criteria: GeneDx Variant Classification (06012015). Collection method: clinical testing. Allele origin: germline. Affected: yes.
Comment: p.Thr220Met (ACG>ATG): c.659 C>T in exon 5 of the CHRNB2 gene (NM_000748.2). The T220M variant has not been published as a mutation, nor has it been reported as a benign polymorphism to our knowledge. It was not observed in approximately 6,500 individuals of European and African American ancestry in the NHLBI Exome Sequencing Project, indicating it is not a common benign variant in these populations The T220M variant is a non-conservative amino acid substitution, which is likely to impact secondary protein structure as these residues differ in polarity, charge, size and/or other properties. This substitution occurs at a position that is conserved across species in the N-terminal domain of the CHRNB2 protein. However, this amino acid substitution does not occur within a transmembrane region of the protein, where the vast majority of pathogenic missense mutations have been identified in association with epilepsy (Steinlein et al., 2010). Additionally, in silico analysis is inconsistent in its predictions as to whether or not the variant is damaging to the protein structure/function. Therefore, based on the currently available information, it is unclear whether this variant is a pathogenic mutation or a rare benign variant. The variant is found in EPILEPSY panel(s).

NM_000748.3(CHRNB2):c.659C>T (p.Thr220Met)

Gene: CHRNB2 (cholinergic receptor nicotinic beta 2 subunit; plus strand). Cytogenetic location: 1q21.3.
Variant type: single nucleotide variant.
Coding change: c.659C>T on transcript NM_000748.3 (MANE Select); coding-DNA position 659, C replaced by T.
Protein change: p.Thr220Met; replaces threonine 220 with methionine.
Molecular consequence: missense variant.
Genome position (GRCh38, 1-based): chr1:154,571,482, C>T. VCF-style: chr1-154571482-C-T. GRCh37 (hg19) VCF-style: chr1-154543958-C-T.
Other names: p.T220M:ACG>ATG; short protein forms T220M.
Identifiers: ClinVar variation 205070 (VCV000205070.5), dbSNP rs796052326, ClinGen allele CA313657.